The following is an entry in ClinVar:

ClinVar aggregate classification (germline): Likely benign. Review status: criteria provided, single submitter (1 of 4 stars). 2 submissions from 2 submitters: Likely benign (1). 1 of the submissions does not count toward it. Last evaluated 2025-09-03.

Conditions:
APOA4-related disorder. Also called: APOA4-related condition.

Allele frequency attached by ClinVar (database versions not stated): ExAC 0.00005; ESP Exome Variant Server 0.00008; gnomAD 0.00009; TOPMed 0.00011.
gnomAD v4.1: 116 of 1,613,948 alleles (0.0072%); highest among the groups gnomAD compares: Admixed American, 0.047%; no homozygotes.

Submissions (2):

Labcorp Genetics (formerly Invitae), Labcorp
Classification: Likely benign. Last evaluated: 2025-09-03. Review status: criteria provided, single submitter. Criteria: Invitae Variant Classification Sherloc (09022015). Collection method: clinical testing. Allele origin: germline.

PreventionGenetics, part of Exact Sciences
Classification: Likely benign for APOA4-related condition. Last evaluated: 2019-07-15. Review status: no assertion criteria provided. Collection method: clinical testing. Allele origin: germline. Not counted in ClinVar's aggregate classification.
Comment: This variant is classified as likely benign based on ACMG/AMP sequence variant interpretation guidelines (Richards et al. 2015 PMID: 25741868, with internal and published modifications).

NM_000482.4(APOA4):c.15C>T (p.Ala5=)

Gene: APOA4 (apolipoprotein A4; minus strand). Cytogenetic location: 11q23.3.
Variant type: single nucleotide variant.
Coding change: c.15C>T on transcript NM_000482.4 (MANE Select); coding-DNA position 15, C replaced by T.
Protein change: p.Ala5=; no amino-acid change (alanine 5 retained).
Molecular consequence: synonymous variant.
Genome position (GRCh38, 1-based): chr11:116,823,177, G>A on the plus strand (C>T on the coding strand, the complement: APOA4 is on the minus strand). VCF-style: chr11-116823177-G-A. GRCh37 (hg19) VCF-style: chr11-116693893-G-A.
Identifiers: ClinVar variation 3050176 (VCV003050176.3), dbSNP rs370537175, ClinGen allele CA6289574.